The following is an entry in ClinVar:

ClinVar aggregate classification (germline): Uncertain significance (1 of 4 stars; one submission).

Conditions:
Inborn genetic diseases. Identifiers: MedGen C0950123, MeSH D030342.

Submission:

Ambry Genetics
Classification: Uncertain significance for Inborn genetic diseases. Last evaluated: 2023-08-01. Review status: criteria provided, single submitter. Criteria: Ambry Variant Classification Scheme 2023. Collection method: clinical testing. Allele origin: germline.
Comment: The p.N338I variant (also known as c.1013A>T), located in coding exon 9 of the LRRK2 gene, results from an A to T substitution at nucleotide position 1013. The asparagine at codon 338 is replaced by isoleucine, an amino acid with dissimilar properties. This amino acid position is conserved. In addition, this alteration is predicted to be tolerated by in silico analysis. Since supporting evidence is limited at this time, the clinical significance of this alteration remains unclear.

NM_198578.4(LRRK2):c.1013A>T (p.Asn338Ile)

Gene: LRRK2 (leucine rich repeat kinase 2; plus strand). Cytogenetic location: 12q12.
Variant type: single nucleotide variant.
Coding change: c.1013A>T on transcript NM_198578.4 (MANE Select); coding-DNA position 1013, A replaced by T.
Protein change: p.Asn338Ile; replaces asparagine 338 with isoleucine.
Molecular consequence: missense variant.
Genome position (GRCh38, 1-based): chr12:40,251,286, A>T. VCF-style: chr12-40251286-A-T. GRCh37 (hg19) VCF-style: chr12-40645088-A-T.
Other names: short protein forms N338I.
Identifiers: ClinVar variation 2587283 (VCV002587283.2), dbSNP rs2499502833, ClinGen allele CA384407810.
Genomic context (GRCh38, chr12:40,251,286, plus strand): 5'-TTCAAGCTGAGACTATTTTCTTAAATCAAGATTTAGAGGAAAAGAATGAGAATCAAGAGA[A>T]TGATGATGAGGGGGAAGAAGATAAATTGTTTTGGCTGGAAGCCTGTTACAAAGCATTAAC-3'
Protein context (NP_940980.4, residues 328-348): DLEEKNENQE[Asn338Ile]DDEGEEDKLF